The following is an entry in ClinVar:

NM_058216.3(RAD51C):c.408G>T (p.Met136Ile)

Gene: RAD51C (RAD51 paralog C; plus strand). Cytogenetic location: 17q22.
Variant type: single nucleotide variant.
Coding change: c.408G>T on transcript NM_058216.3 (MANE Select); coding-DNA position 408, G replaced by T.
Protein change: p.Met136Ile; replaces methionine 136 with isoleucine.
Molecular consequence: missense variant.
Genome position (GRCh38, 1-based): chr17:58,696,696, G>T. VCF-style: chr17-58696696-G-T. GRCh37 (hg19) VCF-style: chr17-56774057-G-T.
Other names: short protein forms M136I.
Identifiers: ClinVar variation 1025004 (VCV001025004.8), dbSNP rs587780836, ClinGen allele CA400343692.
Genomic context (GRCh38, chr17:58,696,696, plus strand): 5'-AAACACTACCTTAGATCATCATCATGATTTGGTTGTTTGTCATCTTTCTGTTGACAGTAT[G>T]CAGTTGGCAGTAGATGTGCAGATACCAGAATGTTTTGGAGGAGTGGCAGGTGAAGCAGTT-3'
Protein context (NP_478123.1, residues 126-146): APGVGKTQLC[Met136Ile]QLAVDVQIPE

ClinVar aggregate classification (germline): Uncertain significance (1 of 4 stars; one submission).

Conditions:
Fanconi anemia complementation group O. Also called: RAD51C-Related Fanconi Anemia. Identifiers: Orphanet 84, MedGen C3150653, MONDO:0013248, OMIM 613390.

Submission:

Labcorp Genetics (formerly Invitae), Labcorp
Classification: Uncertain significance for Fanconi anemia complementation group O. Last evaluated: 2020-06-04. Review status: criteria provided, single submitter. Criteria: Invitae Variant Classification Sherloc (09022015). Collection method: clinical testing. Allele origin: germline.
Comment: This sequence change replaces methionine with isoleucine at codon 136 of the RAD51C protein (p.Met136Ile). The methionine residue is moderately conserved and there is a small physicochemical difference between methionine and isoleucine. In summary, the available evidence is currently insufficient to determine the role of this variant in disease. Therefore, it has been classified as a Variant of Uncertain Significance. Algorithms developed to predict the effect of missense changes on protein structure and function output the following: SIFT: "Tolerated"; PolyPhen-2: "Benign"; Align-GVGD: "Class C0". The isoleucine amino acid residue is found in multiple mammalian species, suggesting that this missense change does not adversely affect protein function. These predictions have not been confirmed by published functional studies and their clinical significance is uncertain. This variant has not been reported in the literature in individuals with RAD51C-related conditions. This variant is not present in population databases (ExAC no frequency).